The following is an entry in ClinVar:

NM_014141.6(CNTNAP2):c.2201G>A (p.Arg734His)

Gene: CNTNAP2 (contactin associated protein 2; plus strand). Cytogenetic location: 7q35.
Variant type: single nucleotide variant.
Coding change: c.2201G>A on transcript NM_014141.6 (MANE Select); coding-DNA position 2201, G replaced by A.
Protein change: p.Arg734His; replaces arginine 734 with histidine.
Molecular consequence: missense variant.
Genome position (GRCh38, 1-based): chr7:147,903,667, G>A. VCF-style: chr7-147903667-G-A. GRCh37 (hg19) VCF-style: chr7-147600759-G-A.
Other names: short protein forms R734H.
Identifiers: ClinVar variation 411997 (VCV000411997.9), dbSNP rs1060503570, ClinGen allele CA16612034.
Genomic context (GRCh38, chr7:147,903,667, plus strand): 5'-AGCACTACTACTGGGGAGGCTCTGGGCCTGGAATCCAGAAATGTGCCTGCGGCATCGAAC[G>A]CAACTGCACAGATCCCAAGTACTACTGTAACTGCGACGCGGACTACAAGCAATGGTGAGT-3'
Protein context (NP_054860.1, residues 724-744): GIQKCACGIE[Arg734His]NCTDPKYYCN

ClinVar aggregate classification (germline): Uncertain significance (1 of 4 stars; one submission).

Conditions:
Cortical dysplasia-focal epilepsy syndrome (PTHSL1). Also called: Pitt-Hopkins-like syndrome 1. Identifiers: Orphanet 163681, Orphanet 221150, MedGen C2750246, MONDO:0012400, OMIM 610042.

Allele frequency attached by ClinVar (database versions not stated): gnomAD 0.00001; gnomAD exomes 0.00001.
gnomAD v4.1: 50 of 1,613,856 alleles (0.0031%); highest among the groups gnomAD compares: Non-Finnish European, 0.0039%; no homozygotes.

Submission:

Labcorp Genetics (formerly Invitae), Labcorp
Classification: Uncertain significance for Cortical dysplasia-focal epilepsy syndrome. Last evaluated: 2022-02-05. Review status: criteria provided, single submitter. Criteria: Invitae Variant Classification Sherloc (09022015). Collection method: clinical testing. Allele origin: germline.
Comment: In summary, the available evidence is currently insufficient to determine the role of this variant in disease. Therefore, it has been classified as a Variant of Uncertain Significance. Algorithms developed to predict the effect of missense changes on protein structure and function (SIFT, PolyPhen-2, Align-GVGD) all suggest that this variant is likely to be tolerated. ClinVar contains an entry for this variant (Variation ID: 411997). This variant has not been reported in the literature in individuals affected with CNTNAP2-related conditions. This variant is present in population databases (no rsID available, gnomAD 0.003%). This sequence change replaces arginine, which is basic and polar, with histidine, which is basic and polar, at codon 734 of the CNTNAP2 protein (p.Arg734His).